The following is an entry in ClinVar:

ClinVar aggregate classification (germline): Likely benign. Review status: criteria provided, multiple submitters, no conflicts (2 of 4 stars). 2 submissions from 2 submitters: Likely benign (2). Last evaluated 2025-12-06.

Allele frequency attached by ClinVar (database versions not stated): ExAC 0.00027; TOPMed 0.00030; ESP Exome Variant Server 0.00031; gnomAD exomes 0.00033; gnomAD 0.00036 and 0.00038.

Submissions (2):

Labcorp Genetics (formerly Invitae), Labcorp
Classification: Likely benign. Last evaluated: 2025-12-06. Review status: criteria provided, single submitter. Criteria: Invitae Variant Classification Sherloc (09022015). Collection method: clinical testing. Allele origin: germline.

CeGaT Center for Human Genetics Tuebingen
Classification: Likely benign. Last evaluated: 2022-06-01. Review status: criteria provided, single submitter. Criteria: CeGaT Center For Human Genetics Tuebingen Variant Classification Criteria Version 2. Collection method: clinical testing. Allele origin: germline. Affected: yes. Observed: 1 variant allele.
Comment: GHSR: BP4, BP7

NM_198407.2(GHSR):c.612G>C (p.Ala204=)

Gene: GHSR (growth hormone secretagogue receptor; minus strand). Cytogenetic location: 3q26.31.
Variant type: single nucleotide variant.
Coding change: c.612G>C on transcript NM_198407.2 (MANE Select); coding-DNA position 612, G replaced by C.
Protein change: p.Ala204=; no amino-acid change (alanine 204 retained).
Molecular consequence: synonymous variant.
Genome position (GRCh38, 1-based): chr3:172,447,802, C>G on the plus strand (G>C on the coding strand, the complement: GHSR is on the minus strand). VCF-style: chr3-172447802-C-G. GRCh37 (hg19) VCF-style: chr3-172165592-C-G.
Other names: c.612G>C, p.Ala204= (NM_004122.2).
Identifiers: ClinVar variation 1543314 (VCV001543314.31), dbSNP rs201629989, ClinGen allele CA2706436.